The following is an entry in ClinVar:

NM_005120.3(MED12):c.5584C>T (p.Arg1862Cys)

Gene: MED12 (mediator complex subunit 12; plus strand). Cytogenetic location: Xq13.1.
Variant type: single nucleotide variant.
Coding change: c.5584C>T on transcript NM_005120.3 (MANE Select); coding-DNA position 5584, C replaced by T.
Protein change: p.Arg1862Cys; replaces arginine 1862 with cysteine.
Molecular consequence: missense variant.
Genome position (GRCh38, 1-based): chrX:71,137,219, C>T. VCF-style: chrX-71137219-C-T. GRCh37 (hg19) VCF-style: chrX-70357069-C-T.
Other names: short protein forms R1862C.
Identifiers: ClinVar variation 1310543 (VCV001310543.6), dbSNP rs200279192, ClinGen allele CA330983646.

ClinVar aggregate classification (germline): Uncertain significance. Review status: criteria provided, multiple submitters, no conflicts (2 of 4 stars). 3 submissions from 3 submitters: Uncertain significance (2). 1 of the submissions does not count toward it. Last evaluated 2025-06-01.

Conditions:
FG syndrome (FGS). Identifiers: MedGen C0220769, MONDO:0002010.
MED12-Related Disorders. Also called: MED12-related disorder; MED12-related condition. Identifiers: MedGen CN381102.

Allele frequency attached by ClinVar (database versions not stated): gnomAD exomes 0.00001.
gnomAD v4.1: 6 of 1,212,000 alleles (0.0005%); highest among the groups gnomAD compares: Non-Finnish European, 0.00067%; no homozygotes.

Submissions (3):

Labcorp Genetics (formerly Invitae), Labcorp
Classification: Uncertain significance for FG syndrome. Last evaluated: 2025-06-01. Review status: criteria provided, single submitter. Criteria: Invitae Variant Classification Sherloc (09022015). Collection method: clinical testing. Allele origin: germline.
Comment: This sequence change replaces arginine, which is basic and polar, with cysteine, which is neutral and slightly polar, at codon 1862 of the MED12 protein (p.Arg1862Cys). The frequency data for this variant in the population databases is considered unreliable, as metrics indicate poor data quality at this position in the gnomAD database. This variant has not been reported in the literature in individuals affected with MED12-related conditions. ClinVar contains an entry for this variant (Variation ID: 1310543). Invitae Evidence Modeling of protein sequence and biophysical properties (such as structural, functional, and spatial information, amino acid conservation, physicochemical variation, residue mobility, and thermodynamic stability) has been performed for this missense variant. However, the output from this modeling did not meet the statistical confidence thresholds required to predict the impact of this variant on MED12 protein function. In summary, the available evidence is currently insufficient to determine the role of this variant in disease. Therefore, it has been classified as a Variant of Uncertain Significance.

GeneDx
Classification: Uncertain significance. Last evaluated: 2019-11-22. Review status: criteria provided, single submitter. Criteria: GeneDx Variant Classification Process June 2021. Collection method: clinical testing. Allele origin: germline. Affected: yes.
Comment: Has not been previously published as pathogenic or benign to our knowledge; Not observed at a significant frequency in large population cohorts (Lek et al., 2016); In silico analysis, which includes protein predictors and evolutionary conservation, supports a deleterious effect

PreventionGenetics, part of Exact Sciences
Classification: Uncertain significance for MED12-related condition. Last evaluated: 2023-10-19. Review status: no assertion criteria provided. Collection method: clinical testing. Allele origin: germline. Not counted in ClinVar's aggregate classification.
Comment: The MED12 c.5584C>T variant is predicted to result in the amino acid substitution p.Arg1862Cys. To our knowledge, this variant has not been reported in the literature. This variant is reported in 0.0012% of alleles in individuals of European (Non-Finnish) descent in gnomAD. At this time, the clinical significance of this variant is uncertain due to the absence of conclusive functional and genetic evidence.